The following is an entry in ClinVar:

NM_004187.5(KDM5C):c.862C>G (p.Pro288Ala)

Gene: KDM5C (lysine demethylase 5C; minus strand). Cytogenetic location: Xp11.22.
Variant type: single nucleotide variant.
Coding change: c.862C>G on transcript NM_004187.5 (MANE Select); coding-DNA position 862, C replaced by G.
Protein change: p.Pro288Ala; replaces proline 288 with alanine.
Molecular consequence: missense variant. On other transcripts: non-coding transcript variant (3).
Genome position (GRCh38, 1-based): chrX:53,215,896, G>C on the plus strand (C>G on the coding strand, the complement: KDM5C is on the minus strand). VCF-style: chrX-53215896-G-C. GRCh37 (hg19) VCF-style: chrX-53245078-G-C.
Other names: c.661C>G, p.Pro221Ala (NM_001146702.2); c.859C>G, p.Pro287Ala (NM_001282622.3, NM_001353979.2, NM_001353982.2); c.862C>G, p.Pro288Ala (NM_001353978.3, NM_001353981.2, NM_001353984.2); short protein forms P221A, P287A, P288A.
Identifiers: ClinVar variation 1014041 (VCV001014041.8), dbSNP rs2073726827, ClinGen allele CA413133097.

ClinVar aggregate classification (germline): Uncertain significance (1 of 4 stars; one submission).

Conditions:
Spastic paraplegia. Identifiers: MedGen C0037772, HP:0001258.

Submission:

Labcorp Genetics (formerly Invitae), Labcorp
Classification: Uncertain significance for Spastic paraplegia. Last evaluated: 2020-04-30. Review status: criteria provided, single submitter. Criteria: Invitae Variant Classification Sherloc (09022015). Collection method: clinical testing. Allele origin: germline.
Comment: This variant is not present in population databases (ExAC no frequency). This variant has not been reported in the literature in individuals with KDM5C-related conditions. Algorithms developed to predict the effect of missense changes on protein structure and function (SIFT, PolyPhen-2, Align-GVGD) all suggest that this variant is likely to be tolerated, but these predictions have not been confirmed by published functional studies and their clinical significance is uncertain. In summary, the available evidence is currently insufficient to determine the role of this variant in disease. Therefore, it has been classified as a Variant of Uncertain Significance. This sequence change replaces proline with alanine at codon 288 of the KDM5C protein (p.Pro288Ala). The proline residue is moderately conserved and there is a small physicochemical difference between proline and alanine.